The following is an entry in ClinVar:

ClinVar aggregate classification (germline): Pathogenic (1 of 4 stars; one submission).

Conditions:
Niemann-Pick disease, type C1. Also called: NEUROVISCERAL STORAGE DISEASE WITH VERTICAL SUPRANUCLEAR OPHTHALMOPLEGIA; NIEMANN-PICK DISEASE WITH CHOLESTEROL ESTERIFICATION BLOCK; NIEMANN-PICK DISEASE WITHOUT SPHINGOMYELINASE DEFICIENCY; NIEMANN-PICK DISEASE, CHRONIC NEURONOPATHIC FORM; NIEMANN-PICK DISEASE, VARIANT TYPE C1. Identifiers: Orphanet 646, MedGen C3179455, MONDO:0009757, OMIM 257220.

Submission:

Labcorp Genetics (formerly Invitae), Labcorp
Classification: Pathogenic for Niemann-Pick disease, type C1. Last evaluated: 2020-02-05. Review status: criteria provided, single submitter. Criteria: Invitae Variant Classification Sherloc (09022015). Collection method: clinical testing. Allele origin: germline.
Comment: For these reasons, this variant has been classified as Pathogenic. Loss-of-function variants in NPC1 are known to be pathogenic (PMID: 9211850). This variant has not been reported in the literature in individuals with NPC1-related conditions. This variant is not present in population databases (ExAC no frequency). This sequence change creates a premature translational stop signal (p.His215Leufs*6) in the NPC1 gene. It is expected to result in an absent or disrupted protein product.

Literature cited by the submitters: PubMed 9211850.

NM_000271.5(NPC1):c.644del (p.His215fs)

Gene: NPC1 (NPC intracellular cholesterol transporter 1; minus strand). Cytogenetic location: 18q11.2.
Variant type: Deletion.
Coding change: c.644del on transcript NM_000271.5 (MANE Select); coding-DNA position 644, one base deleted (A; older notation c.644delA).
Protein change: p.His215fs; shifts the reading frame from histidine 215.
Molecular consequence: frameshift variant.
Genome position (GRCh38, 1-based): chr18:23,560,468, T deleted on the plus strand (A on the coding strand, the reverse complement: NPC1 is on the minus strand). VCF-style (leftmost placement, unchanged base first): chr18-23560467-AT-A. GRCh37 (hg19) VCF-style: chr18-21140431-AT-A.
Other names: short protein forms H215fs.
Identifiers: ClinVar variation 1073904 (VCV001073904.7), dbSNP rs2145481013, ClinGen allele CA2499225069.
Genomic context (GRCh38, chr18:23,560,467, plus strand): 5'-TGTGACCTCATCCACAGACTCGTCACAGCCTTTGGTGGCATTGTTCATGGGCTCCATCCC[AT>A]GGACTGGAAAATCTACAGAAAGGAATTGTGTTGAGTACAAATCTCAATTAAAAACATCCA-3'